The following is an entry in ClinVar:

ClinVar aggregate classification (germline): Uncertain significance. Review status: criteria provided, multiple submitters, no conflicts (2 of 4 stars). 2 submissions from 2 submitters: Uncertain significance (2). Last evaluated 2021-09-02.

Conditions:
Autosomal recessive limb-girdle muscular dystrophy type R18 (LGMDR18). Also called: Limb-girdle muscular dystrophy, type 2S; MUSCULAR DYSTROPHY, LIMB-GIRDLE, AUTOSOMAL RECESSIVE 18; Autosomal recessive limb-girdle muscular dystrophy type 2S. Identifiers: Orphanet 369840, MedGen C4517996, MONDO:0014144, OMIM 615356.

Allele frequency attached by ClinVar (database versions not stated): gnomAD exomes 0.00001; ExAC 0.00002.
gnomAD v4.1: 4 of 1,613,678 alleles (0.00025%); highest among the groups gnomAD compares: South Asian, 0.0022%; no homozygotes.

Submissions (2):

Revvity Omics, Revvity
Classification: Uncertain significance for Autosomal recessive limb-girdle muscular dystrophy type R18. Last evaluated: 2021-09-02. Review status: criteria provided, single submitter. Criteria: ACMG Guidelines, 2015. Collection method: clinical testing. Allele origin: germline.

GeneDx
Classification: Uncertain significance. Last evaluated: 2019-05-28. Review status: criteria provided, single submitter. Criteria: GeneDx Variant Classification Process June 2021. Collection method: clinical testing. Allele origin: germline. Affected: yes.
Comment: Not observed at a significant frequency in large population cohorts (Lek et al., 2016); In silico analysis, which includes protein predictors and evolutionary conservation, supports that this variant does not alter protein structure/function; Has not been previously published as pathogenic or benign to our knowledge

NM_021942.6(TRAPPC11):c.1208G>A (p.Ser403Asn)

Gene: TRAPPC11 (trafficking protein particle complex subunit 11; plus strand). Cytogenetic location: 4q35.1.
Variant type: single nucleotide variant.
Coding change: c.1208G>A on transcript NM_021942.6 (MANE Select); coding-DNA position 1208, G replaced by A.
Protein change: p.Ser403Asn; replaces serine 403 with asparagine.
Molecular consequence: missense variant.
Genome position (GRCh38, 1-based): chr4:183,683,975, G>A. VCF-style: chr4-183683975-G-A. GRCh37 (hg19) VCF-style: chr4-184605128-G-A.
Other names: c.1208G>A, p.Ser403Asn (NM_199053.3); short protein forms S403N.
Identifiers: ClinVar variation 391842 (VCV000391842.6), dbSNP rs761391260, ClinGen allele CA3151850.